The following is an entry in ClinVar:

NM_139076.3(ABRAXAS1):c.25G>C (p.Val9Leu)

Genes: ABRAXAS1 (abraxas 1, BRCA1 A complex subunit; minus strand), LOC129992784 (ATAC-STARR-seq lymphoblastoid silent region 15542; plus strand). Cytogenetic location: 4q21.23.
Variant type: single nucleotide variant.
Coding change: c.25G>C on transcript NM_139076.3 (MANE Select); coding-DNA position 25, G replaced by C.
Protein change: p.Val9Leu; replaces valine 9 with leucine.
Molecular consequence: missense variant. On other transcripts: 5 prime UTR variant (1).
Genome position (GRCh38, 1-based): chr4:83,485,048, C>G on the plus strand (G>C on the coding strand, the complement: ABRAXAS1 is on the minus strand). VCF-style: chr4-83485048-C-G. GRCh37 (hg19) VCF-style: chr4-84406201-C-G.
Other names: c.-236G>C (NM_001345962.2); short protein forms V9L.
Identifiers: ClinVar variation 3994595 (VCV003994595.1).

ClinVar aggregate classification (germline): Uncertain significance (1 of 4 stars; one submission).

Submission:

Ambry Genetics
Classification: Uncertain significance. Last evaluated: 2025-05-21. Review status: criteria provided, single submitter. Criteria: Ambry Variant Classification Scheme 2023. Collection method: clinical testing. Allele origin: germline.
Comment: The p.V9L variant (also known as c.25G>C), located in coding exon 1 of the FAM175A gene, results from a G to C substitution at nucleotide position 25. The valine at codon 9 is replaced by leucine, an amino acid with highly similar properties. This amino acid position is conserved. In addition, this alteration is predicted to be tolerated by in silico analysis. Based on the available evidence, the clinical significance of this variant remains unclear.